The following is an entry in ClinVar:

ClinVar aggregate classification (germline): Pathogenic (1 of 4 stars; one submission).

Conditions:
Familial cancer of breast. Also called: BREAST CANCER, FAMILIAL; hereditary breast carcinoma; Hereditary breast cancer. Identifiers: Orphanet 227535, MedGen C0346153, MONDO:0016419, OMIM 114480. Disease mechanism: loss of function.

Submission:

Myriad Genetics, Inc.
Classification: Pathogenic for Familial cancer of breast. Last evaluated: 2023-06-28. Review status: criteria provided, single submitter. Criteria: Myriad Autosomal Dominant, Autosomal Recessive and X-Linked Classification Criteria (2023). Collection method: clinical testing. Allele origin: unknown.
Comment: This variant is considered pathogenic. This variant creates a termination codon and is predicted to result in premature protein truncation.

NM_007194.4(CHEK2):c.1304C>A (p.Ser435Ter)

Gene: CHEK2 (checkpoint kinase 2; minus strand). Cytogenetic location: 22q12.1.
Variant type: single nucleotide variant.
Coding change: c.1304C>A on transcript NM_007194.4 (MANE Select); coding-DNA position 1304, C replaced by A.
Protein change: p.Ser435Ter; replaces serine 435 with a stop codon.
Molecular consequence: nonsense.
Genome position (GRCh38, 1-based): chr22:28,695,198, G>T on the plus strand (C>A on the coding strand, the complement: CHEK2 is on the minus strand). VCF-style: chr22-28695198-G-T. GRCh37 (hg19) VCF-style: chr22-29091186-G-T.
Other names: c.1433C>A, p.Ser478Ter (NM_001005735.3); c.641C>A, p.Ser214Ter (NM_001257387.3); c.1103C>A, p.Ser368Ter (NM_001349956.3); c.1217C>A, p.Ser406Ter (NM_145862.3); short protein forms S214*, S368*, S406*, S435*, S478*.
Identifiers: ClinVar variation 2584139 (VCV002584139.2), dbSNP rs1555913484, ClinGen allele CA411096047.